The following is an entry in ClinVar:

ClinVar aggregate classification (germline): Uncertain significance (1 of 4 stars; one submission).

Conditions:
Hypertrophic cardiomyopathy. Also called: HYPERTROPHIC MYOCARDIOPATHY. Identifiers: Orphanet 217569, MedGen C0007194, MeSH D002312, MONDO:0005045, HP:0001639.

Submission:

Labcorp Genetics (formerly Invitae), Labcorp
Classification: Uncertain significance for Hypertrophic cardiomyopathy. Last evaluated: 2025-12-29. Review status: criteria provided, single submitter. Criteria: Invitae Variant Classification Sherloc (09022015). Collection method: clinical testing. Allele origin: germline.
Comment: This sequence change replaces glutamic acid, which is acidic and polar, with glutamine, which is neutral and polar, at codon 1220 of the MYH7 protein (p.Glu1220Gln). This variant is not present in population databases (gnomAD no frequency). This variant has not been reported in the literature in individuals affected with MYH7-related conditions. ClinVar contains an entry for this variant (Variation ID: 3636016). Invitae Evidence Modeling of protein sequence and biophysical properties (such as structural, functional, and spatial information, amino acid conservation, physicochemical variation, residue mobility, and thermodynamic stability) indicates that this missense variant is expected to disrupt MYH7 protein function with a positive predictive value of 95%. In summary, the available evidence is currently insufficient to determine the role of this variant in disease. Therefore, it has been classified as a Variant of Uncertain Significance.

NM_000257.4(MYH7):c.3658G>C (p.Glu1220Gln)

Gene: MYH7 (myosin heavy chain 7; minus strand). Cytogenetic location: 14q11.2.
Variant type: single nucleotide variant.
Coding change: c.3658G>C on transcript NM_000257.4 (MANE Select); coding-DNA position 3658, G replaced by C.
Protein change: p.Glu1220Gln; replaces glutamic acid 1220 with glutamine.
Molecular consequence: missense variant.
Genome position (GRCh38, 1-based): chr14:23,419,913, C>G on the plus strand (G>C on the coding strand, the complement: MYH7 is on the minus strand). VCF-style: chr14-23419913-C-G. GRCh37 (hg19) VCF-style: chr14-23889122-C-G.
Other names: c.3658G>C, p.Glu1220Gln (NM_001407004.1); short protein forms E1220Q.
Identifiers: ClinVar variation 3636016 (VCV003636016.2).
Genomic context (GRCh38, chr14:23,419,913, plus strand): 5'-TGATGATCTGCTCCATGTTGGAGGTGACGTCATCCAGCTCCAGCTTGAACTCGCTCTTCT[C>G]CTTCTCCAGCTTCTGCTTCACCCGCTGCAGGTTGTCGATCTGCTCGCCCAGCTCGGCCAC-3'
Protein context (NP_000248.2, residues 1210-1230): LQRVKQKLEK[Glu1220Gln]KSEFKLELDD